The following is an entry in ClinVar:

NM_002878.4(RAD51D):c.877G>A (p.Ala293Thr)

Genes: RAD51D (RAD51 paralog D; minus strand), RAD51L3-RFFL (RAD51L3-RFFL readthrough; minus strand). Cytogenetic location: 17q12.
Variant type: single nucleotide variant.
Coding change: c.877G>A on transcript NM_002878.4 (MANE Select); coding-DNA position 877, G replaced by A.
Protein change: p.Ala293Thr; replaces alanine 293 with threonine.
Molecular consequence: missense variant. On other transcripts: non-coding transcript variant (3).
Genome position (GRCh38, 1-based): chr17:35,101,227, C>T on the plus strand (G>A on the coding strand, the complement: RAD51D is on the minus strand). VCF-style: chr17-35101227-C-T. GRCh37 (hg19) VCF-style: chr17-33428246-C-T.
Other names: c.937G>A, p.Ala313Thr (NM_001142571.2); c.541G>A, p.Ala181Thr (NM_133629.3); short protein forms A293T, A181T, A313T.
Identifiers: ClinVar variation 480543 (VCV000480543.8), dbSNP rs1555567073, ClinGen allele CA399086396.

ClinVar aggregate classification (germline): Uncertain significance. Review status: criteria provided, multiple submitters, no conflicts (2 of 4 stars). 2 submissions from 2 submitters: Uncertain significance (2). Last evaluated 2025-11-17.

Conditions:
Hereditary cancer-predisposing syndrome. Also called: Hereditary Cancer Syndrome; Neoplastic Syndromes, Hereditary; Tumor predisposition; Hereditary neoplastic syndrome. Identifiers: Orphanet 140162, MedGen C0027672, MeSH D009386, MONDO:0015356.
Breast-ovarian cancer, familial, susceptibility to, 4. Identifiers: Orphanet 145, MedGen C3280345, MONDO:0013669, OMIM 614291.

Submissions (2):

Labcorp Genetics (formerly Invitae), Labcorp
Classification: Uncertain significance for Breast-ovarian cancer, familial, susceptibility to, 4. Last evaluated: 2025-11-17. Review status: criteria provided, single submitter. Criteria: Invitae Variant Classification Sherloc (09022015). Collection method: clinical testing. Allele origin: germline.
Comment: This sequence change replaces alanine, which is neutral and non-polar, with threonine, which is neutral and polar, at codon 293 of the RAD51D protein (p.Ala293Thr). This variant is not present in population databases (gnomAD no frequency). This variant has not been reported in the literature in individuals affected with RAD51D-related conditions. ClinVar contains an entry for this variant (Variation ID: 480543). Invitae Evidence Modeling of protein sequence and biophysical properties (such as structural, functional, and spatial information, amino acid conservation, physicochemical variation, residue mobility, and thermodynamic stability) indicates that this missense variant is expected to disrupt RAD51D protein function with a positive predictive value of 80%. In summary, the available evidence is currently insufficient to determine the role of this variant in disease. Therefore, it has been classified as a Variant of Uncertain Significance.

Ambry Genetics
Classification: Uncertain significance for Hereditary cancer-predisposing syndrome. Last evaluated: 2025-06-20. Review status: criteria provided, single submitter. Criteria: Ambry Variant Classification Scheme 2023. Collection method: clinical testing. Allele origin: germline.
Comment: The p.A293T variant (also known as c.877G>A), located in coding exon 9 of the RAD51D gene, results from a G to A substitution at nucleotide position 877. The alanine at codon 293 is replaced by threonine, an amino acid with similar properties. This variant was not reported in population based cohorts in the following databases: Database of Single Nucleotide Polymorphisms (dbSNP), NHLBI Exome Sequencing Project (ESP), and 1000 Genomes Project. In the ESP, this variant was not observed in 6503 samples (13006 alleles) with coverage at this position. To date, this alteration has been detected with an allele frequency of approximately 0.001% (greater than 175000 alleles tested) in our clinical cohort. This amino acid position is not well conserved in available vertebrate species. In addition, this alteration is predicted to be tolerated by in silico analysis. Since supporting evidence is limited at this time, the clinical significance of this alteration remains unclear.